The following is an entry in ClinVar:

ClinVar aggregate classification (germline): Benign (1 of 4 stars; one submission).

Conditions:
RAB23-related Carpenter syndrome. Also called: ACPS II; Carpenter syndrome 1. Identifiers: Orphanet 65759, MedGen C4551510, MONDO:0008710, OMIM 201000.

Allele frequency attached by ClinVar (database versions not stated): gnomAD 0.14761 and 0.14241; 1000 Genomes Project 30x 0.10259; TOPMed 0.14215; 1000 Genomes Project 0.10044.

Submission:

Illumina Laboratory Services, Illumina
Classification: Benign for RAB23-related Carpenter syndrome. Last evaluated: 2018-01-13. Review status: criteria provided, single submitter. Criteria: ICSL Variant Classification Criteria 13 December 2019. Collection method: clinical testing. Allele origin: germline.
Comment: This variant was observed in the ICSL laboratory as part of a predisposition screen in an ostensibly healthy population. It had not been previously curated by ICSL or reported in the Human Gene Mutation Database (HGMD: prior to June 1st, 2018), and was therefore a candidate for classification through an automated scoring system. Utilizing variant allele frequency, disease prevalence and penetrance estimates, and inheritance mode, an automated score was calculated to assess if this variant is too frequent to cause the disease. Based on the score and internal cut-off values, a variant classified as benign is not then subjected to further curation. The score for this variant resulted in a classification of benign for this disease.

NM_016277.5(RAB23):c.*3330A>G

Genes: BAG2 (BAG cochaperone 2; plus strand), RAB23 (RAB23, member RAS oncogene family; minus strand). Cytogenetic location: 6p12.1.
Variant type: single nucleotide variant.
Coding change: c.*3330A>G on transcript NM_016277.5 (MANE Select); 3330 bases downstream of the stop codon, A replaced by G.
Molecular consequence: 3 prime UTR variant. On other transcripts: non-coding transcript variant (1).
Genome position (GRCh38, 1-based): chr6:57,187,131, T>C on the plus strand (A>G on the coding strand, the complement: RAB23 is on the minus strand). VCF-style: chr6-57187131-T-C. GRCh37 (hg19) VCF-style: chr6-57051929-T-C.
Other names: c.*3330A>G (NM_001278666.2, NM_001278667.2, NM_001278668.2 and 1 more transcripts); c.*2941T>C (NM_004282.4).
Identifiers: ClinVar variation 908519 (VCV000908519.4), dbSNP rs72868608, ClinGen allele CA15442048.
Genomic context (GRCh38, chr6:57,187,131, plus strand): 5'-AGCTCCAGAGTGTAACTGCAACCAAATAGCAATACATACAAGTGGTTTTCCATTCAAATT[T>C]ACAAAAGCATTATTTATTAGTAATAAAAATATAGAAGGAATTCAGTTTTCCTTTTATCCC-3'